The following is an entry in ClinVar:

NM_000540.3(RYR1):c.3674T>C (p.Phe1225Ser)

Gene: RYR1 (ryanodine receptor 1; plus strand). Cytogenetic location: 19q13.2.
Variant type: single nucleotide variant.
Coding change: c.3674T>C on transcript NM_000540.3 (MANE Select); coding-DNA position 3674, T replaced by C.
Protein change: p.Phe1225Ser; replaces phenylalanine 1225 with serine.
Molecular consequence: missense variant.
Genome position (GRCh38, 1-based): chr19:38,469,422, T>C. VCF-style: chr19-38469422-T-C. GRCh37 (hg19) VCF-style: chr19-38960062-T-C.
Other names: c.3674T>C, p.Phe1225Ser (NM_001042723.2); short protein forms F1225S.
Identifiers: ClinVar variation 3071126 (VCV003071126.1), dbSNP rs2514117275, ClinGen allele CA405639567.

ClinVar aggregate classification (germline): Uncertain significance (1 of 4 stars; one submission).

Conditions:
Malignant hyperthermia, susceptibility to, 1 (MHS1). Also called: Anesthesia related hyperthermia; Malignant hyperpyrexia; Fulminating hyperpyrexia; Pharmacogenic myopathy; RYR1-Related Malignant Hyperthermia Susceptibility; Malignant hyperthermia suceptibility 1. Identifiers: Orphanet 423, MedGen C2930980, MONDO:0007783, OMIM 145600.

Submission:

All of Us Research Program, National Institutes of Health
Classification: Uncertain significance for Malignant hyperthermia, susceptibility to, 1. Last evaluated: 2023-05-16. Review status: criteria provided, single submitter. Criteria: ACMG Guidelines, 2015. Collection method: clinical testing. Allele origin: germline. Inheritance: Autosomal dominant inheritance. Observed: 1 variant allele, 1 heterozygote.
Comment: This missense variant replaces phenylalanine with serine at codon 1225 of the RYR1 protein. Computational prediction suggests that this variant may have deleterious impact on protein structure and function (internally defined REVEL score threshold >= 0.7, PMID: 27666373). To our knowledge, functional studies have not been reported for this variant. This variant has not been reported in individuals affected with RYR1-related disorders in the literature. This variant has not been identified in the general population by the Genome Aggregation Database (gnomAD). The available evidence is insufficient to determine the role of this variant in disease conclusively. Therefore, this variant is classified as a Variant of Uncertain Significance.

This study involves interpretation of variants in research participants for the purpose of population health screening. Participant phenotype was not available at the time of variant classification. Additional details can be found in publication PMID: 35346344, PMCID: PMC8962531